The following is an entry in ClinVar:

ClinVar aggregate classification (germline): Conflicting classifications of pathogenicity. Review status: criteria provided, conflicting classifications (1 of 4 stars). 11 submissions from 10 submitters: Uncertain significance (2); Benign (2); Likely benign (6). 1 of the submissions does not count toward it. Last evaluated 2026-01-27.

Conditions:
JUP-related disorder. Also called: JUP-related condition.
Arrhythmogenic right ventricular dysplasia 12. Also called: ARRHYTHMOGENIC RIGHT VENTRICULAR DYSPLASIA, FAMILIAL, 12. Identifiers: MedGen C1969081, MONDO:0012684, OMIM 611528.
Naxos disease (NXD). Also called: CARDIOMYOPATHY, ARRHYTHMOGENIC RIGHT VENTRICULAR, WITH SKIN, HAIR, AND NAIL ABNORMALITIES; KERATOSIS PALMOPLANTARIS WITH ARRHYTHMOGENIC CARDIOMYOPATHY; MAL DE NAXOS; PALMOPLANTAR KERATODERMA WITH ARRHYTHMOGENIC RIGHT VENTRICULAR CARDIOMYOPATHY AND WOOLLY HAIR; WOOLLY HAIR, PALMOPLANTAR KERATODERMA, AND CARDIAC ABNORMALITIES. Identifiers: Orphanet 34217, MedGen C1832600, MONDO:0011017, OMIM 601214.
Cardiovascular phenotype. Identifiers: MedGen CN230736.
Cardiomyopathy (CMYO). Also called: Cardiomyopathies. Identifiers: Orphanet 167848, MedGen C0878544, MONDO:0004994, HP:0001638. Inheritance: Various modes of inheritance.

Allele frequency attached by ClinVar (database versions not stated): gnomAD 0.00016 and 0.00018; gnomAD exomes 0.00019 and 0.00035; TOPMed 0.00022; ExAC 0.00024; ESP Exome Variant Server 0.00054; 1000 Genomes Project 0.00060; 1000 Genomes Project 30x 0.00062.
gnomAD v4.1: 525 of 1,613,130 alleles (0.033%); highest among the groups gnomAD compares: Non-Finnish European, 0.043%; no homozygotes.

Submissions (11):

Labcorp Genetics (formerly Invitae), Labcorp
Classification: Likely benign for Arrhythmogenic right ventricular dysplasia 12; Naxos disease. Last evaluated: 2026-01-27. Review status: criteria provided, single submitter. Criteria: Invitae Variant Classification Sherloc (09022015). Collection method: clinical testing. Allele origin: germline.

Blueprint Genetics
Classification: Likely benign. Last evaluated: 2024-09-24. Review status: criteria provided, single submitter. Criteria: ACMG Guidelines, 2015. Collection method: clinical testing. Allele origin: germline.

CHEO Genetics Diagnostic Laboratory, Children's Hospital of Eastern Ontario
Classification: Likely benign for Cardiomyopathy. Last evaluated: 2022-11-11. Review status: criteria provided, single submitter. Criteria: ACMG Guidelines, 2015. Collection method: clinical testing. Allele origin: germline.

Women's Health and Genetics/Laboratory Corporation of America, LabCorp
Classification: Benign. Last evaluated: 2019-05-06. Review status: criteria provided, single submitter. Criteria: LabCorp Variant Classification Summary - May 2015. Collection method: clinical testing. Allele origin: germline.
Comment: Variant summary: JUP c.2178C>T alters a non-conserved nucleotide resulting in a synonymous change. 5/5 computational tools predict no significant impact on normal splicing. However, these predictions have yet to be confirmed by functional studies. The variant allele was found at a frequency of 0.00019 in 249902 control chromosomes. The observed variant frequency is approximately 18.81 fold of the estimated maximal expected allele frequency for a pathogenic variant in JUP causing Arrhythmia phenotype (1e-05), strongly suggesting that the variant is benign. c.2178C>T has been reported in the literature (Pugh_2014). These report(s) do not provide unequivocal conclusions about association of the variant with Arrhythmia. To our knowledge, no experimental evidence demonstrating an impact on protein function has been reported. Two clinical diagnostic laboratories have submitted clinical-significance assessments for this variant to ClinVar after 2014 without evidence for independent evaluation. All laboratories classified the variant as likely benign. Based on the evidence outlined above, the variant was classified as benign.

ARUP Laboratories, Molecular Genetics and Genomics, ARUP Laboratories
Classification: Likely benign. Last evaluated: 2019-04-18. Review status: criteria provided, single submitter. Criteria: ARUP Molecular Germline Variant Investigation Process. Collection method: clinical testing. Allele origin: germline.

Illumina Laboratory Services, Illumina
Classification: Uncertain significance for Naxos disease. Last evaluated: 2018-01-13. Review status: criteria provided, single submitter. Criteria: ICSL Variant Classification Criteria 13 December 2019. Collection method: clinical testing. Allele origin: germline.

Illumina Laboratory Services, Illumina
Classification: Uncertain significance for Arrhythmogenic right ventricular dysplasia 12. Last evaluated: 2018-01-13. Review status: criteria provided, single submitter. Criteria: ICSL Variant Classification Criteria 13 December 2019. Collection method: clinical testing. Allele origin: germline.

Ambry Genetics
Classification: Likely benign for Cardiovascular phenotype. Last evaluated: 2017-04-04. Review status: criteria provided, single submitter. Criteria: Ambry Variant Classification Scheme 2023. Collection method: clinical testing. Allele origin: germline.

GeneDx
Classification: Benign. Last evaluated: 2013-12-09. Review status: criteria provided, single submitter. Criteria: GeneDx Variant Classification (06012015). Collection method: clinical testing. Allele origin: germline. Affected: yes.
Comment: This variant is considered likely benign or benign based on one or more of the following criteria: it is a conservative change, it occurs at a poorly conserved position in the protein, it is predicted to be benign by multiple in silico algorithms, and/or has population frequency not consistent with disease.

Laboratory for Molecular Medicine, Mass General Brigham Personalized Medicine
Classification: Likely benign. Last evaluated: 2012-06-19. Review status: criteria provided, single submitter. Criteria: LMM Criteria. Collection method: clinical testing. Allele origin: germline. Observed: 2 variant alleles.
Comment: Ile726Ile in exon 14 of JUP: This variant is not expected to have clinical signi ficance because it does not alter an amino acid residue, is not located within t he splice consensus sequence. It has been identified in 0.1% (6/7020) of Europea n American chromosomes from a broad population by the NHLBI Exome Sequencing Pro ject (dbSNP rs141295561). Ile726Ile in exon 1 4 of JUP (rs141295561; allele frequency= 0.1%, 6/7020) **

PreventionGenetics, part of Exact Sciences
Classification: Likely benign for JUP-related condition. Last evaluated: 2019-03-22. Review status: no assertion criteria provided. Collection method: clinical testing. Allele origin: germline. Not counted in ClinVar's aggregate classification.
Comment: This variant is classified as likely benign based on ACMG/AMP sequence variant interpretation guidelines (Richards et al. 2015 PMID: 25741868, with internal and published modifications).

Literature cited by the submitters: PubMed 24503780 (cited by Women's Health and Genetics/Laboratory Corporation of America, LabCorp).

NM_002230.4(JUP):c.2178C>T (p.Ile726=)

Gene: JUP (junction plakoglobin; minus strand). Cytogenetic location: 17q21.2.
Variant type: single nucleotide variant.
Coding change: c.2178C>T on transcript NM_002230.4 (MANE Select); coding-DNA position 2178, C replaced by T.
Protein change: p.Ile726=; no amino-acid change (isoleucine 726 retained).
Molecular consequence: synonymous variant.
Genome position (GRCh38, 1-based): chr17:41,755,804, G>A on the plus strand (C>T on the coding strand, the complement: JUP is on the minus strand). VCF-style: chr17-41755804-G-A. GRCh37 (hg19) VCF-style: chr17-39912056-G-A.
Other names: p.I726I:ATC>ATT; c.2178C>T, p.Ile726= (NM_001352773.2, NM_001352774.2, NM_001352775.2 and 3 more transcripts).
Identifiers: ClinVar variation 45846 (VCV000045846.33), dbSNP rs141295561, ClinGen allele CA137188.
Genomic context (GRCh38, chr17:41,755,804, plus strand): 5'-CTAGGCCAGCATGTGGTCTGCAGTGGGGTACGGGGGCCTGAGGCCGTCGCTGTAGGTGTC[G>A]ATGGGGTAGTCTCCATCCATGTCCATGTGCATCTCCAGCGGGTCAAGGGGCACATCGCTG-3'
Protein context (NP_002221.1, residues 716-736): MHMDMDGDYP[Ile726=]DTYSDGLRPP